The following is an entry in ClinVar:

NM_005055.5(RAPSN):c.712C>T (p.Gln238Ter)

Gene: RAPSN (receptor associated protein of the synapse; minus strand). Cytogenetic location: 11p11.2.
Variant type: single nucleotide variant.
Coding change: c.712C>T on transcript NM_005055.5 (MANE Select); coding-DNA position 712, C replaced by T.
Protein change: p.Gln238Ter; replaces glutamine 238 with a stop codon.
Molecular consequence: nonsense.
Genome position (GRCh38, 1-based): chr11:47,441,900, G>A on the plus strand (C>T on the coding strand, the complement: RAPSN is on the minus strand). VCF-style: chr11-47441900-G-A. GRCh37 (hg19) VCF-style: chr11-47463452-G-A.
Other names: c.712C>T, p.Gln238Ter (NM_032645.5); short protein forms Q238*.
Identifiers: ClinVar variation 1416981 (VCV001416981.8), dbSNP rs2076368388, ClinGen allele CA380330446.

ClinVar aggregate classification (germline): Pathogenic. Review status: criteria provided, multiple submitters, no conflicts (2 of 4 stars). 2 submissions from 2 submitters: Pathogenic (2). Last evaluated 2024-03-20.

Conditions:
Fetal akinesia deformation sequence 1 (FADS1). Also called: Fetal akinesia sequence; Pena-Shokeir syndrome type I. Identifiers: Orphanet 994, MedGen C1276035, MONDO:0100101, OMIM 208150, HP:0001989.
Congenital myasthenic syndrome 11. Also called: MYASTHENIC SYNDROME, CONGENITAL, Ie; Myasthenic syndrome, congenital, 11, associated with acetylcholine receptor deficiency. Identifiers: Orphanet 590, MedGen C4225367, MONDO:0014588, OMIM 616326.
Fetal akinesia deformation sequence 2. Identifiers: MedGen C4760576, MONDO:0100102, OMIM 618388.

Allele frequency attached by ClinVar (database versions not stated): gnomAD exomes below 0.00001; TOPMed below 0.00001.
gnomAD v4.1: 1 of 1,585,434 alleles (0.000063%); no homozygotes.

Submissions (2):

Baylor Genetics
Classification: Pathogenic for Fetal akinesia deformation sequence 2. Last evaluated: 2024-03-20. Review status: criteria provided, single submitter. Criteria: ACMG Guidelines, 2015. Collection method: clinical testing. Allele origin: unknown.

Labcorp Genetics (formerly Invitae), Labcorp
Classification: Pathogenic for Congenital myasthenic syndrome 11; Fetal akinesia deformation sequence 1. Last evaluated: 2023-08-04. Review status: criteria provided, single submitter. Criteria: Invitae Variant Classification Sherloc (09022015). Collection method: clinical testing. Allele origin: germline.
Comment: For these reasons, this variant has been classified as Pathogenic. ClinVar contains an entry for this variant (Variation ID: 1416981). This variant has not been reported in the literature in individuals affected with RAPSN-related conditions. This variant is not present in population databases (gnomAD no frequency). This sequence change creates a premature translational stop signal (p.Gln238*) in the RAPSN gene. It is expected to result in an absent or disrupted protein product. Loss-of-function variants in RAPSN are known to be pathogenic (PMID: 17686188).

Literature cited by the submitters: PubMed 17686188 (cited by Labcorp Genetics (formerly Invitae), Labcorp).